The following is an entry in ClinVar:

ClinVar aggregate classification (germline): Likely benign (1 of 4 stars; one submission).

Submission:

ARUP Laboratories, Molecular Genetics and Genomics, ARUP Laboratories
Classification: Likely benign. Last evaluated: 2018-01-28. Review status: criteria provided, single submitter. Criteria: ARUP Molecular Germline Variant Investigation Process. Collection method: clinical testing. Allele origin: germline.
Comment: The c.558G>A; p.Lys186Lys variant does not alter the amino acid sequence of the COL5A1 protein and computational splice site prediction algorithms do not predict a change in the nearest splice site or creation of a cryptic splice site. This variant has not been reported in medical literature or in gene specific variation databases. This variant is absent from the general population databases (1000 Genomes Project, Exome Variant Server, Genome Aggregation Database). Based on the available information, the c.558G>A variant is likely to be benign.

NM_000093.5(COL5A1):c.558G>A (p.Lys186=)

Gene: COL5A1 (collagen type V alpha 1 chain; plus strand). Cytogenetic location: 9q34.3.
Variant type: single nucleotide variant.
Coding change: c.558G>A on transcript NM_000093.5 (MANE Select); coding-DNA position 558, G replaced by A.
Protein change: p.Lys186=; no amino-acid change (lysine 186 retained).
Molecular consequence: synonymous variant.
Genome position (GRCh38, 1-based): chr9:134,701,237, G>A. VCF-style: chr9-134701237-G-A. GRCh37 (hg19) VCF-style: chr9-137593083-G-A.
Other names: c.558G>A, p.Lys186= (NM_001278074.1).
Identifiers: ClinVar variation 618582 (VCV000618582.8), dbSNP rs1564397188, ClinGen allele CA467655001.